The following is an entry in ClinVar:

ClinVar aggregate classification (germline): Pathogenic (1 of 4 stars; one submission).

Conditions:
Hereditary cancer-predisposing syndrome. Also called: Hereditary Cancer Syndrome; Hereditary neoplastic syndrome; Neoplastic Syndromes, Hereditary; Tumor predisposition. Identifiers: Orphanet 140162, MedGen C0027672, MeSH D009386, MONDO:0015356.

Submission:

Ambry Genetics
Classification: Pathogenic for Hereditary cancer-predisposing syndrome. Last evaluated: 2019-11-04. Review status: criteria provided, single submitter. Criteria: Ambry Variant Classification Scheme 2023. Collection method: clinical testing. Allele origin: germline.
Comment: The c.1562delT pathogenic mutation, located in coding exon 10 of the CDH1 gene, results from a deletion of one nucleotide at nucleotide position 1562, causing a translational frameshift with a predicted alternate stop codon (p.I521Kfs*36). This alteration is expected to result in loss of function by premature protein truncation or nonsense-mediated mRNA decay. As such, this alteration is interpreted as a disease-causing mutation.

NM_004360.5(CDH1):c.1562del (p.Ile521fs)

Gene: CDH1 (cadherin 1; plus strand). Cytogenetic location: 16q22.1.
Variant type: Deletion.
Coding change: c.1562del on transcript NM_004360.5 (MANE Select); coding-DNA position 1562, one base deleted (T; older notation c.1562delT).
Protein change: p.Ile521fs; shifts the reading frame from isoleucine 521.
Molecular consequence: frameshift variant. On other transcripts: 5 prime UTR variant (1).
Genome position (GRCh38, 1-based): chr16:68,815,756, T deleted. VCF-style (leftmost placement, unchanged base first): chr16-68815755-AT-A. GRCh37 (hg19) VCF-style: chr16-68849658-AT-A.
Other names: c.1379del, p.Ile460fs (NM_001317184.2); c.14del, p.Ile5fs (NM_001317185.2); c.-258del (NM_001317186.2); short protein forms I460fs, I521fs, I5fs.
Identifiers: ClinVar variation 1775290 (VCV001775290.2), dbSNP rs2543931541, ClinGen allele CA2580091997.